The following is an entry in ClinVar:

ClinVar aggregate classification (germline): Likely benign (1 of 4 stars; one submission).

gnomAD v4.1: 1 of 1,613,578 alleles (0.000062%); highest among the groups gnomAD compares: African/African-American, 0.0013%; no homozygotes.

Submission:

CeGaT Center for Human Genetics Tuebingen
Classification: Likely benign. Last evaluated: 2025-11-01. Review status: criteria provided, single submitter. Criteria: CeGaT Center For Human Genetics Tuebingen Variant Classification Criteria Version 2. Collection method: clinical testing. Allele origin: germline. Affected: yes. Observed: 2 variant alleles.
Comment: SMC3: PP2, PP3, BS2

NM_005445.4(SMC3):c.1981C>T (p.Arg661Trp)

Gene: SMC3 (structural maintenance of chromosomes 3; plus strand). Cytogenetic location: 10q25.2.
Variant type: single nucleotide variant.
Coding change: c.1981C>T on transcript NM_005445.4 (MANE Select); coding-DNA position 1981, C replaced by T.
Protein change: p.Arg661Trp; replaces arginine 661 with tryptophan.
Molecular consequence: missense variant.
Genome position (GRCh38, 1-based): chr10:110,596,415, C>T. VCF-style: chr10-110596415-C-T. GRCh37 (hg19) VCF-style: chr10-112356173-C-T.
Other names: short protein forms R661W.
Identifiers: ClinVar variation 4281357 (VCV004281357.7).